The following is an entry in ClinVar:

ClinVar aggregate classification (germline): Uncertain significance (1 of 4 stars; one submission).

Conditions:
Cardiovascular phenotype. Identifiers: MedGen CN230736.
Hereditary cancer-predisposing syndrome. Also called: Hereditary neoplastic syndrome; Neoplastic Syndromes, Hereditary; Tumor predisposition; Hereditary Cancer Syndrome. Identifiers: Orphanet 140162, MedGen C0027672, MeSH D009386, MONDO:0015356.

Submission:

Ambry Genetics
Classification: Uncertain significance for Cardiovascular phenotype; Hereditary cancer-predisposing syndrome. Last evaluated: 2025-07-10. Review status: criteria provided, single submitter. Criteria: Ambry Variant Classification Scheme 2023. Collection method: clinical testing. Allele origin: germline.
Comment: The p.M538L variant (also known as c.1612A>T), located in coding exon 14 of the NF1 gene, results from an A to T substitution at nucleotide position 1612. The methionine at codon 538 is replaced by leucine, an amino acid with highly similar properties. This amino acid position is well conserved in available vertebrate species. In addition, this alteration is predicted to be tolerated by in silico analysis. Based on the available evidence, the clinical significance of this variant remains unclear.

NM_001042492.3(NF1):c.1612A>T (p.Met538Leu)

Gene: NF1 (neurofibromin 1; plus strand). Cytogenetic location: 17q11.2.
Variant type: single nucleotide variant.
Coding change: c.1612A>T on transcript NM_001042492.3 (MANE Select); coding-DNA position 1612, A replaced by T.
Protein change: p.Met538Leu; replaces methionine 538 with leucine.
Molecular consequence: missense variant.
Genome position (GRCh38, 1-based): chr17:31,219,089, A>T. VCF-style: chr17-31219089-A-T. GRCh37 (hg19) VCF-style: chr17-29546107-A-T.
Other names: c.1612A>T, p.Met538Leu (NM_000267.4, NM_001128147.3); short protein forms M538L.
Identifiers: ClinVar variation 4119075 (VCV004119075.1).